The following is an entry in ClinVar:

ClinVar aggregate classification (germline): Uncertain significance (1 of 4 stars; one submission).

Conditions:
Catecholaminergic polymorphic ventricular tachycardia 1. Also called: RYR2-Related Catecholaminergic Polymorphic Ventricular Tachycardia; VENTRICULAR TACHYCARDIA, STRESS-INDUCED POLYMORPHIC 1; VENTRICULAR TACHYCARDIA, CATECHOLAMINERGIC POLYMORPHIC, 1, WITH OR WITHOUT ATRIAL DYSFUNCTION AND/OR DILATED CARDIOMYOPATHY. Identifiers: Orphanet 3286, MedGen C1631597, MONDO:0011484, OMIM 604772.

Submission:

Labcorp Genetics (formerly Invitae), Labcorp
Classification: Uncertain significance for Catecholaminergic polymorphic ventricular tachycardia 1. Last evaluated: 2025-04-30. Review status: criteria provided, single submitter. Criteria: Invitae Variant Classification Sherloc (09022015). Collection method: clinical testing. Allele origin: germline.
Comment: This sequence change falls in intron 104 of the RYR2 gene. It does not directly change the encoded amino acid sequence of the RYR2 protein. It affects a nucleotide within the consensus splice site. This variant is not present in population databases (gnomAD no frequency). This variant has not been reported in the literature in individuals affected with RYR2-related conditions. Variants that disrupt the consensus splice site are a relatively common cause of aberrant splicing (PMID: 17576681, 9536098). Algorithms developed to predict the effect of sequence changes on RNA splicing suggest that this variant may disrupt the consensus splice site. In summary, the available evidence is currently insufficient to determine the role of this variant in disease. Therefore, it has been classified as a Variant of Uncertain Significance.

Literature cited by the submitters: PubMed 17576681; PubMed 9536098.

NM_001035.3(RYR2):c.14808+2T>A

Gene: RYR2 (ryanodine receptor 2; plus strand). Cytogenetic location: 1q43.
Variant type: single nucleotide variant.
Coding change: c.14808+2T>A on transcript NM_001035.3 (MANE Select); the canonical splice donor site of the intron after coding-DNA position 14808, T replaced by A.
Molecular consequence: splice donor variant.
Genome position (GRCh38, 1-based): chr1:237,831,567, T>A. VCF-style: chr1-237831567-T-A. GRCh37 (hg19) VCF-style: chr1-237994867-T-A.
Identifiers: ClinVar variation 4718659 (VCV004718659.1).